The following is an entry in ClinVar:

NM_001347721.2(DYRK1A):c.586C>T (p.Arg196Ter)

Gene: DYRK1A (dual specificity tyrosine phosphorylation regulated kinase 1A; plus strand). Cytogenetic location: 21q22.13.
Variant type: single nucleotide variant.
Coding change: c.586C>T on transcript NM_001347721.2 (MANE Select); coding-DNA position 586, C replaced by T.
Protein change: p.Arg196Ter; replaces arginine 196 with a stop codon.
Molecular consequence: nonsense.
Genome position (GRCh38, 1-based): chr21:37,486,563, C>T. VCF-style: chr21-37486563-C-T. GRCh37 (hg19) VCF-style: chr21-38858865-C-T.
Other names: NM_001347721.2(DYRK1A):c.586C>T; p.Arg196Ter; c.586C>T, p.Arg196Ter (NM_001347722.2, NM_130436.2); c.499C>T, p.Arg167Ter (NM_001347723.2); c.613C>T, p.Arg205Ter (NM_001396.5, NM_101395.2, NM_130438.2); c.613C>T (NM_001396.4); short protein forms R205*, R196*, R167*.
Identifiers: ClinVar variation 162153 (VCV000162153.28), dbSNP rs724159949, ClinGen allele CA278448.

ClinVar aggregate classification (germline): Pathogenic. Review status: criteria provided, multiple submitters, no conflicts (2 of 4 stars). 14 submissions from 14 submitters: Pathogenic (11). 3 of the submissions do not count toward it. Last evaluated 2024-11-22.

Conditions:
Microcephaly. Also called: Microcephaly (disease). Identifiers: MedGen C4551563, MONDO:0001149, HP:0000252.
Microphthalmia. Also called: Microphthalmos. Identifiers: MedGen C0026010, MONDO:0021129, HP:0000568.
Global developmental delay (DD). Also called: Cognitive delay. Identifiers: MedGen C0557874, HP:0001263. Disease mechanism: loss of function.
Generalized-onset seizure. Also called: Generalized seizures. Identifiers: MedGen C0234533, HP:0002197.
Inborn genetic diseases. Identifiers: MedGen C0950123, MeSH D030342.
DYRK1A-related intellectual disability syndrome (MRD7). Also called: DYRK1A Syndrome; Intellectual developmental disorder, autosomal dominant 7. Identifiers: Orphanet 464306, MedGen C5568143, MONDO:0013578, OMIM 614104.
Intellectual disability. Also called: Intellectual functioning disability; intellectual disabilities; Intellectual developmental disorder. Identifiers: MedGen C3714756, MeSH D008607, MONDO:0001071, HP:0001249.
Absent or delayed speech development. Identifiers: MedGen C3276611.
Deeply set eye. Also called: sunken eyes; Deep-set eyes. Identifiers: MedGen C0423224, HP:0000490.
Feeding difficulties. Also called: Poor feeding. Identifiers: MedGen C0232466, HP:0011968.

Allele frequency attached by ClinVar (database versions not stated): gnomAD exomes below 0.00001.
gnomAD v4.1: 1 of 1,595,504 alleles (0.000063%); highest among the groups gnomAD compares: East Asian, 0.0023%; no homozygotes.

Submissions (14):

3billion
Classification: Pathogenic for DYRK1A-related intellectual disability syndrome. Last evaluated: 2024-11-22. Review status: criteria provided, single submitter. Criteria: ACMG Guidelines, 2015. Collection method: clinical testing. Allele origin: germline. Affected: yes.
Comment: The variant is observed at an extremely low frequency in the gnomAD v4.1.0 dataset (total allele frequency: <0.001%). Predicted Consequence/Location: Stop-gained (nonsense): predicted to result in a loss or disruption of normal protein function through nonsense-mediated decay (NMD) or protein truncation. Multiple pathogenic variants are reported downstream of the variant. The variant has been reported at least twice as pathogenic with clinical assertions and evidence for the classification (ClinVar ID: VCV000162153 /PMID: 25167861 /3billion dataset). Therefore, this variant is classified as Pathogenic according to the recommendation of ACMG/AMP guideline.

Broad Center for Mendelian Genomics, Broad Institute of MIT and Harvard
Classification: Pathogenic for DYRK1A-related intellectual disability syndrome. Last evaluated: 2023-05-02. Review status: criteria provided, single submitter. Criteria: ACMG Guidelines, 2015. Collection method: curation. Allele origin: germline. Inheritance: Autosomal dominant inheritance.
Comment: The p.Arg205Ter variant in DYRK1A has been previously reported in the literature in 10 unrelated individuals with DYRK1A-related intellectual disability syndrome (PMID: 25326635, PMID: 25944381, PMID: 25641759, PMID: 25167861, PMID: 32838606, PMID: 28167836, PMID: 32581362, PMID: 25920557). The number of reported affected individuals with this variant is greater than expected compared to non-affected individuals with this variant. This variant was found to be de novo in 9 individuals with confirmed paternity and maternity (PMID: 25326635, PMID: 25944381, PMID: 25641759, PMID: 25167861, PMID: 32838606, PMID: 28167836, PMID: 25920557, SCV002521469.1, SCV000196058.1). This variant has also been reported in ClinVar (Variation ID: 162153) and has been interpreted as pathogenic by multiple submitters. This variant was absent from large population studies. In vitro functional studies provide some evidence that the p.Arg205Ter variant may impact protein function (PMID 28167836, PMID: 31263215). However, these types of assays may not accurately represent biological function. This nonsense variant leads to a premature termination codon at position 205, which is predicted to lead to a truncated or absent protein. Heterozygous loss of function of the DYRK1A gene is an established disease mechanism in autosomal dominant DYRK1A-related intellectual disability syndrome. In summary, this variant meets criteria to be classified as pathogenic for autosomal dominant DYRK1A-related intellectual disability syndrome. ACMG/AMP Criteria applied: PVS1, PS2_VeryStrong, PS3_Moderate, PS4, PM2_Supporting (Richards 2015).

Duke University Health System Sequencing Clinic, Duke University Health System
Classification: Pathogenic for DYRK1A-related intellectual disability syndrome. Last evaluated: 2023-04-20. Review status: criteria provided, single submitter. Criteria: ACMG Guidelines, 2015. Collection method: research. Allele origin: de novo. Affected: yes.

GeneDx
Classification: Pathogenic. Last evaluated: 2023-03-06. Review status: criteria provided, single submitter. Criteria: GeneDx Variant Classification Process June 2021. Collection method: clinical testing. Allele origin: germline. Affected: yes.
Comment: Published functional studies demonstrate a loss of function effect (Dang et al., 2017; Blackburn et al., 2019); Nonsense variant predicted to result in protein truncation or nonsense mediated decay in a gene for which loss-of-function is a known mechanism of disease; Not observed at significant frequency in large population cohorts (gnomAD); This variant is associated with the following publications: (PMID: 34345024, 25641759, 26922654, 25944381, 25920557, 31263215, 32581362, 25167861, 28167836, 32838606, 33562844, 35873028, 35285131)

Clinical Genetics Laboratory, Skane University Hospital Lund
Classification: Pathogenic. Last evaluated: 2023-01-13. Review status: criteria provided, single submitter. Criteria: ACMG Guidelines, 2015. Collection method: clinical testing. Allele origin: germline. Affected: yes.

Labcorp Genetics (formerly Invitae), Labcorp
Classification: Pathogenic for DYRK1A-related intellectual disability syndrome. Last evaluated: 2022-05-09. Review status: criteria provided, single submitter. Criteria: Invitae Variant Classification Sherloc (09022015). Collection method: clinical testing. Allele origin: germline.
Comment: This sequence change creates a premature translational stop signal (p.Arg205*) in the DYRK1A gene. It is expected to result in an absent or disrupted protein product. Loss-of-function variants in DYRK1A are known to be pathogenic (PMID: 25944381). For these reasons, this variant has been classified as Pathogenic. ClinVar contains an entry for this variant (Variation ID: 162153). This premature translational stop signal has been observed in individual(s) with DYRK1A-related disease (PMID: 25167861, 25641759, 25920557, 25944381; Invitae). In at least one individual the variant was observed to be de novo. This variant is not present in population databases (gnomAD no frequency).

Revvity Omics, Revvity
Classification: Pathogenic for DYRK1A-related intellectual disability syndrome. Last evaluated: 2022-01-11. Review status: criteria provided, single submitter. Criteria: ACMG Guidelines, 2015. Collection method: clinical testing. Allele origin: germline.

Ambry Genetics
Classification: Pathogenic for Inborn genetic diseases. Last evaluated: 2020-01-21. Review status: criteria provided, single submitter. Criteria: Ambry Variant Classification Scheme 2023. Collection method: clinical testing. Allele origin: germline.
Comment: The alteration results in a premature stop codon:_x000D_ _x000D_ The c.613C>T (p.R205*) alteration, located in coding exon 5 of the DYRK1A gene, results from a C to T substitution at nucleotide position 613. This changes the amino acid from a arginine (R) to a stop codon at amino acid position 205. This alteration is expected to result in loss of function by premature protein truncation or nonsense-mediated mRNA decay. The alteration is not observed in population databases:_x000D_ _x000D_ Based on data from the Genome Aggregation Database (gnomAD), the DYRK1A NM_001396 c.613C>T alteration was not observed, with coverage at this position. The alteration has been observed in affected individuals:_x000D_ _x000D_ This alteration was reported to have occurred de novo in multiple individuals with features consistent with a DYRK1A-related neurodevelopmental disorder including intellectual disability/developmental delay, seizures, microcephaly and dysmorphic facial features (Redin, 2014; Ruaud, 2015; Ji, 2015). Based on the available evidence, this alteration is classified as pathogenic.

Baylor Genetics
Classification: Pathogenic for DYRK1A-related intellectual disability syndrome. Last evaluated: 2017-09-01. Review status: criteria provided, single submitter. Criteria: ACMG Guidelines, 2015. Collection method: clinical testing. Allele origin: de novo. Inheritance: Autosomal dominant inheritance. Affected: yes.
Comment: This nonsense mutation is categorized as deleterious according to ACMG guidelines (PMID:18414213).

UCLA Clinical Genomics Center, UCLA
Classification: Pathogenic for Mental retardation, autosomal dominant 7. Last evaluated: 2014-09-15. Review status: criteria provided, single submitter. Criteria: Submitter's publication. Collection method: clinical testing. Allele origin: de novo. Inheritance: Autosomal dominant inheritance. Affected: yes. Study: DYRK1A Haploinsufficiency Syndrome.

Diagnostic Laboratory, Strasbourg University Hospital
Classification: Pathogenic for Intellectual disability. Last evaluated: 2014-07-25. Review status: criteria provided, single submitter. Criteria: submitter's publication. Collection method: clinical testing. Allele origin: de novo. Affected: yes. Observed: 1 variant allele, 1 heterozygote.

Greenwood Genetic Center Diagnostic Laboratories, Greenwood Genetic Center
Classification: Pathogenic for Intellectual disability; Microcephaly; Feeding difficulties; Absent or delayed speech development; Deeply set eye. Last evaluated: 2014-09-09. Review status: no assertion criteria provided. Collection method: clinical testing. Allele origin: de novo. Affected: yes. Not counted in ClinVar's aggregate classification.

NIHR Bioresource Rare Diseases, University of Cambridge
Classification: Pathogenic for Microcephaly; Microphthalmia; Global developmental delay; Generalized-onset seizure. Review status: no assertion criteria provided. Collection method: research. Allele origin: unknown. Affected: yes. Observed: 1 variant allele. Not counted in ClinVar's aggregate classification.

Service de Génétique Moléculaire, Hôpital Robert Debré
Classification: Pathogenic for DYRK1A-related intellectual disability syndrome. Review status: no assertion criteria provided. Collection method: clinical testing. Allele origin: unknown. Affected: yes. Not counted in ClinVar's aggregate classification.

Literature cited by the submitters: PubMed 25167861 (cited by 3 submitters); PubMed 25944381 (cited by Labcorp Genetics (formerly Invitae), Labcorp); PubMed 25641759 (cited by Labcorp Genetics (formerly Invitae), Labcorp and Ambry Genetics); PubMed 25920557 (cited by Labcorp Genetics (formerly Invitae), Labcorp); PubMed 25326635 (cited by Baylor Genetics); PubMed 32581362 (cited by NIHR Bioresource Rare Diseases, University of Cambridge).